The following is an entry in ClinVar:

NM_000702.4(ATP1A2):c.2308A>G (p.Lys770Glu)

Gene: ATP1A2 (ATPase Na+/K+ transporting subunit alpha 2; plus strand). Cytogenetic location: 1q23.2.
Variant type: single nucleotide variant.
Coding change: c.2308A>G on transcript NM_000702.4 (MANE Select); coding-DNA position 2308, A replaced by G.
Protein change: p.Lys770Glu; replaces lysine 770 with glutamic acid.
Molecular consequence: missense variant.
Genome position (GRCh38, 1-based): chr1:160,135,862, A>G. VCF-style: chr1-160135862-A-G. GRCh37 (hg19) VCF-style: chr1-160105652-A-G.
Other names: short protein forms K770E.
Identifiers: ClinVar variation 860697 (VCV000860697.9), dbSNP rs1651921216, ClinGen allele CA343250044.
Genomic context (GRCh38, chr1:160,135,862, plus strand): 5'-CTCTGACCTCCCTGATGCCCTCAGAATCTCCCCACAGGCCGCCTGATCTTTGACAACTTG[A>G]AGAAATCCATCGCCTACACCCTGACCAGCAACATCCCCGAGATCACCCCCTTCCTGCTGT-3'
Protein context (NP_000693.1, residues 760-780): EEGRLIFDNL[Lys770Glu]KSIAYTLTSN

ClinVar aggregate classification (germline): Uncertain significance (1 of 4 stars; one submission).

Conditions:
Familial hemiplegic migraine. Identifiers: MedGen C0338484, MONDO:0000700.

Submission:

Labcorp Genetics (formerly Invitae), Labcorp
Classification: Uncertain significance for Familial hemiplegic migraine. Last evaluated: 2020-01-27. Review status: criteria provided, single submitter. Criteria: Invitae Variant Classification Sherloc (09022015). Collection method: clinical testing. Allele origin: germline.
Comment: This variant is not present in population databases (ExAC no frequency). In summary, the available evidence is currently insufficient to determine the role of this variant in disease. Therefore, it has been classified as a Variant of Uncertain Significance. Algorithms developed to predict the effect of missense changes on protein structure and function (SIFT, PolyPhen-2, Align-GVGD) all suggest that this variant is likely to be disruptive, but these predictions have not been confirmed by published functional studies and their clinical significance is uncertain. This variant has not been reported in the literature in individuals with ATP1A2-related conditions. This sequence change replaces lysine with glutamic acid at codon 770 of the ATP1A2 protein (p.Lys770Glu). The lysine residue is highly conserved and there is a small physicochemical difference between lysine and glutamic acid.